The following is an entry in ClinVar:

NM_001009944.3(PKD1):c.6404C>T (p.Ala2135Val)

Gene: PKD1 (polycystin 1, transient receptor potential channel interacting; minus strand). Cytogenetic location: 16p13.3.
Variant type: single nucleotide variant.
Coding change: c.6404C>T on transcript NM_001009944.3 (MANE Select); coding-DNA position 6404, C replaced by T.
Protein change: p.Ala2135Val; replaces alanine 2135 with valine.
Molecular consequence: missense variant.
Genome position (GRCh38, 1-based): chr16:2,108,763, G>A on the plus strand (C>T on the coding strand, the complement: PKD1 is on the minus strand). VCF-style: chr16-2108763-G-A. GRCh37 (hg19) VCF-style: chr16-2158764-G-A.
Other names: c.6404C>T, p.Ala2135Val (NM_000296.4); short protein forms A2135V.
Identifiers: ClinVar variation 805172 (VCV000805172.5), dbSNP rs368987928, ClinGen allele CA7831611.

ClinVar aggregate classification (germline): Uncertain significance. Review status: criteria provided, multiple submitters, no conflicts (2 of 4 stars). 3 submissions from 3 submitters: Uncertain significance (3). Last evaluated 2024-03-04.

Conditions:
Polycystic kidney disease, adult type (PKD1). Also called: POLYCYSTIC KIDNEY DISEASE 1 WITH OR WITHOUT POLYCYSTIC LIVER DISEASE; POLYCYSTIC KIDNEY DISEASE, ADULT, TYPE I; Polycystic Kidney, Autosomal Dominant; Polycystic Kidney Disease 1, Autosomal Dominant; Polycystic kidney disease 1; Polycystic kidney disease 1, severe. Identifiers: MedGen C3149841, MONDO:0008263, OMIM 173900.

Allele frequency attached by ClinVar (database versions not stated): gnomAD 0.00001; gnomAD exomes 0.00002 and 0.00003; TOPMed 0.00002; ExAC 0.00004; ESP Exome Variant Server 0.00008.
gnomAD v4.1: 34 of 1,570,496 alleles (0.0022%); highest among the groups gnomAD compares: Admixed American, 0.016%; no homozygotes.

Submissions (3):

Fulgent Genetics
Classification: Uncertain significance for Polycystic kidney disease, adult type. Last evaluated: 2024-03-04. Review status: criteria provided, single submitter. Criteria: ACMG Guidelines, 2015. Collection method: clinical testing. Allele origin: germline.

Athena Diagnostics
Classification: Uncertain significance. Last evaluated: 2019-06-05. Review status: criteria provided, single submitter. Criteria: Athena Diagnostics Criteria. Collection method: clinical testing. Allele origin: germline.

Centre for Mendelian Genomics, University Medical Centre Ljubljana
Classification: Uncertain significance for Polycystic kidney disease, adult type. Last evaluated: 2019-03-24. Review status: criteria provided, single submitter. Criteria: ACMG Guidelines, 2015. Collection method: clinical testing. Allele origin: unknown. Affected: yes.
Comment: This variant was classified as: Uncertain significance. The following ACMG criteria were applied in classifying this variant: PM1.